The following is an entry in ClinVar:

NM_000051.4(ATM):c.331+2_331+7del

Gene: ATM (ATM serine/threonine kinase; plus strand). Cytogenetic location: 11q22.3.
Variant type: Deletion.
Coding change: c.331+2_331+7del on transcript NM_000051.4 (MANE Select); the canonical splice donor site of the intron after coding-DNA position 331 through 7 bases into the intron after coding-DNA position 331, 6 bases deleted (TAAGTG; older notation c.331+2_331+7delTAAGTG).
Molecular consequence: splice donor variant. On other transcripts: stop lost (2).
Genome position (GRCh38, 1-based): chr11:108,229,325-108,229,330, TAAGTG deleted; deleting any 6 consecutive bases within chr11:108,229,324-108,229,330 gives the same sequence; the c. name uses the placement nearest the transcript's 3' end. VCF-style (leftmost placement, unchanged base first): chr11-108229323-AGTAAGT-A. GRCh37 (hg19) VCF-style: chr11-108100050-AGTAAGT-A.
Other names: c.333_338del, p.Ser111_Ter113delinsArg (NM_001351835.2, NM_001351836.2); c.331+2_331+7del (NM_001351834.2).
Identifiers: ClinVar variation 1730081 (VCV001730081.4), dbSNP rs2496924515, ClinGen allele CA2580083181.

ClinVar aggregate classification (germline): Likely pathogenic. Review status: criteria provided, multiple submitters, no conflicts (2 of 4 stars). 2 submissions from 2 submitters: Likely pathogenic (2). Last evaluated 2023-07-21.

Conditions:
Hereditary cancer-predisposing syndrome. Also called: Neoplastic Syndromes, Hereditary; Tumor predisposition; Hereditary Cancer Syndrome; Hereditary neoplastic syndrome. Identifiers: Orphanet 140162, MedGen C0027672, MeSH D009386, MONDO:0015356.
Familial cancer of breast. Also called: BREAST CANCER, FAMILIAL; Hereditary breast cancer; hereditary breast carcinoma. Identifiers: Orphanet 227535, MedGen C0346153, MONDO:0016419, OMIM 114480. Disease mechanism: loss of function.

Submissions (2):

Ambry Genetics
Classification: Likely pathogenic for Hereditary cancer-predisposing syndrome. Last evaluated: 2023-07-21. Review status: criteria provided, single submitter. Criteria: Ambry Variant Classification Scheme 2023. Collection method: clinical testing. Allele origin: germline.
Comment: The c.331+2_331+7delTAAGTG intronic variant results from a deletion of 6 nucleotides between positions c.331+2 and c.331+7 and involves the canonical splice donor site after coding exon 3 of the ATM gene. This variant is considered to be rare based on population cohorts in the Genome Aggregation Database (gnomAD). This nucleotide region is well conserved in available vertebrate species. In silico splice site analysis predicts that this alteration will weaken the native splice donor site. RNA studies have demonstrated that this alteration results in abnormal splicing in the set of samples tested (Ambry internal data). Alterations that disrupt the canonical splice site are expected to cause aberrant splicing, resulting in an abnormal protein or a transcript that is subject to nonsense-mediated mRNA decay. As such, this alteration is classified as likely pathogenic.

Baylor Genetics
Classification: Likely pathogenic for Familial cancer of breast. Last evaluated: 2023-06-23. Review status: criteria provided, single submitter. Criteria: ACMG Guidelines, 2015. Collection method: clinical testing. Allele origin: unknown.